The following is an entry in ClinVar:

ClinVar aggregate classification (germline): Likely benign. Review status: criteria provided, multiple submitters, no conflicts (2 of 4 stars). 2 submissions from 2 submitters: Likely benign (2). Last evaluated 2025-10-03.

Conditions:
WDR37-related disorder. Also called: WDR37-related condition.

gnomAD v4.1: 41 of 1,614,186 alleles (0.0025%); highest among the groups gnomAD compares: African/African-American, 0.0053%; no homozygotes.

Submissions (2):

PreventionGenetics, part of Exact Sciences
Classification: Likely benign for WDR37-related condition. Last evaluated: 2025-10-03. Review status: criteria provided, single submitter. Criteria: ACMG Guidelines, 2015. Collection method: clinical testing. Allele origin: germline.
Comment: This variant is classified as likely benign based on ACMG/AMP sequence variant interpretation guidelines (Richards et al. 2015 PMID: 25741868, with internal and published modifications).

Mayo Clinic Laboratories, Mayo Clinic
Classification: Likely benign. Last evaluated: 2025-09-09. Review status: criteria provided, single submitter. Criteria: ACMG Guidelines, 2015. Collection method: clinical testing. Allele origin: germline. Observed: 1 variant allele.
Comment: BS2, BP4

NM_014023.4(WDR37):c.1328C>T (p.Ala443Val)

Gene: WDR37 (WD repeat domain 37; plus strand). Cytogenetic location: 10p15.3.
Variant type: single nucleotide variant.
Coding change: c.1328C>T on transcript NM_014023.4 (MANE Select); coding-DNA position 1328, C replaced by T.
Protein change: p.Ala443Val; replaces alanine 443 with valine.
Molecular consequence: missense variant.
Genome position (GRCh38, 1-based): chr10:1,124,999, C>T. VCF-style: chr10-1124999-C-T. GRCh37 (hg19) VCF-style: chr10-1170939-C-T.
Other names: p.Ala443Val; c.1328C>T (NM_014023.3); short protein forms A443V.
Identifiers: ClinVar variation 4683479 (VCV004683479.2).
Genomic context (GRCh38, chr10:1,124,999, plus strand): 5'-TAGCCCTCCCCCATGACAACCGACAAGTGAGACTGTTTGATATGTCAGGAGTGCGCCTGG[C>T]GCGGCTTCCCCGGAGCAGCCGACAGGTAACAGCACGGTCGGTGAACATATGCAGGGCACA-3'
Protein context (NP_054742.2, residues 433-453): RLFDMSGVRL[Ala443Val]RLPRSSRQGH